The following is an entry in ClinVar:

ClinVar aggregate classification (germline): Conflicting classifications of pathogenicity. Review status: criteria provided, conflicting classifications (1 of 4 stars). 2 submissions from 2 submitters: Likely pathogenic (1); Uncertain significance (1). Last evaluated 2025-04-01.

Conditions:
Hereditary cancer-predisposing syndrome. Also called: Neoplastic Syndromes, Hereditary; Tumor predisposition; Hereditary Cancer Syndrome; Hereditary neoplastic syndrome. Identifiers: Orphanet 140162, MedGen C0027672, MeSH D009386, MONDO:0015356.
Familial adenomatous polyposis 1 (FAP1). Also called: POLYPOSIS, ADENOMATOUS INTESTINAL; FAMILIAL ADENOMATOUS POLYPOSIS 1, ATTENUATED. Identifiers: MedGen C2713442, MONDO:0021056, OMIM 175100. Disease mechanism: loss of function.

Allele frequency attached by ClinVar (database versions not stated): TOPMed below 0.00001; gnomAD 0.00001.

Submissions (2):

Ambry Genetics
Classification: Likely pathogenic for Hereditary cancer-predisposing syndrome. Last evaluated: 2025-04-01. Review status: criteria provided, single submitter. Criteria: Ambry Variant Classification Scheme 2023. Collection method: clinical testing. Allele origin: germline.
Comment: The p.M1583V variant (also known as c.4747A>G), located in coding exon 15 of the APC gene, results from an A to G substitution at nucleotide position 4747. The methionine at codon 1583 is replaced by valine, an amino acid with highly similar properties. This alteration has been observed in at least one individual with a personal and/or family history that is consistent with attenuated APC related disease (Ambry internal data; personal communication). This amino acid position is highly conserved in available vertebrate species. This alteration impacts a critical residue in an Axin-binding SAMP motif and is predicted to be structurally deleterious to the protein (Ambry internal data). Other in silico predictors for this gene do not accurately predict pathogenicity. Based on the majority of available evidence to date, this variant is likely to be pathogenic.

Labcorp Genetics (formerly Invitae), Labcorp
Classification: Uncertain significance for Familial adenomatous polyposis 1. Last evaluated: 2024-09-19. Review status: criteria provided, single submitter. Criteria: Invitae Variant Classification Sherloc (09022015). Collection method: clinical testing. Allele origin: germline.
Comment: This sequence change replaces methionine, which is neutral and non-polar, with valine, which is neutral and non-polar, at codon 1583 of the APC protein (p.Met1583Val). This variant is present in population databases (rs753723223, gnomAD 0.01%). This variant has not been reported in the literature in individuals affected with APC-related conditions. ClinVar contains an entry for this variant (Variation ID: 640694). Invitae Evidence Modeling of protein sequence and biophysical properties (such as structural, functional, and spatial information, amino acid conservation, physicochemical variation, residue mobility, and thermodynamic stability) indicates that this missense variant is not expected to disrupt APC protein function with a negative predictive value of 95%. In summary, the available evidence is currently insufficient to determine the role of this variant in disease. Therefore, it has been classified as a Variant of Uncertain Significance.

NM_000038.6(APC):c.4747A>G (p.Met1583Val)

Gene: APC (APC regulator of Wnt signaling pathway; plus strand). Cytogenetic location: 5q22.2.
Variant type: single nucleotide variant.
Coding change: c.4747A>G on transcript NM_000038.6 (MANE Select); coding-DNA position 4747, A replaced by G.
Protein change: p.Met1583Val; replaces methionine 1583 with valine.
Molecular consequence: missense variant.
Genome position (GRCh38, 1-based): chr5:112,840,341, A>G. VCF-style: chr5-112840341-A-G. GRCh37 (hg19) VCF-style: chr5-112176038-A-G.
Other names: c.4747A>G, p.Met1583Val (NM_001127510.3, NM_001354895.2); c.4693A>G, p.Met1565Val (NM_001127511.3); c.4801A>G, p.Met1601Val (NM_001354896.2); c.4777A>G, p.Met1593Val (NM_001354897.2); c.4672A>G, p.Met1558Val (NM_001354898.2); c.4663A>G, p.Met1555Val (NM_001354899.2); c.4624A>G, p.Met1542Val (NM_001354900.2); c.4570A>G, p.Met1524Val (NM_001354901.2); and 5 more; short protein forms M1583V, M1601V, M1423V, M1457V, M1542V, M1593V, M1482V, M1524V.
Identifiers: ClinVar variation 640694 (VCV000640694.13), dbSNP rs753723223, ClinGen allele CA039697.